The following is an entry in ClinVar:

NM_002691.4(POLD1):c.1462G>A (p.Asp488Asn)

Gene: POLD1 (DNA polymerase delta 1, catalytic subunit; plus strand). Cytogenetic location: 19q13.33.
Variant type: single nucleotide variant.
Coding change: c.1462G>A on transcript NM_002691.4 (MANE Select); coding-DNA position 1462, G replaced by A.
Protein change: p.Asp488Asn; replaces aspartic acid 488 with asparagine.
Molecular consequence: missense variant. On other transcripts: non-coding transcript variant (1).
Genome position (GRCh38, 1-based): chr19:50,406,485, G>A. VCF-style: chr19-50406485-G-A. GRCh37 (hg19) VCF-style: chr19-50909742-G-A.
Other names: c.1462G>A, p.Asp488Asn (NM_001256849.1, NM_001308632.1); short protein forms D488N.
Identifiers: ClinVar variation 943105 (VCV000943105.9), dbSNP rs2038888710, ClinGen allele CA406980256.

ClinVar aggregate classification (germline): Uncertain significance (1 of 4 stars; one submission).

Conditions:
POLD1-related polyposis and colorectal cancer syndrome (CRCS10). Also called: Colorectal cancer 10; COLORECTAL CANCER, SUSCEPTIBILITY TO, ON CHROMOSOME 19q; Colorectal cancer, susceptibility to, 10. Identifiers: Orphanet 220460, MedGen C2675481, MONDO:0012953, OMIM 612591.

Submission:

Labcorp Genetics (formerly Invitae), Labcorp
Classification: Uncertain significance for POLD1-related polyposis and colorectal cancer syndrome. Last evaluated: 2019-07-24. Review status: criteria provided, single submitter. Criteria: Invitae Variant Classification Sherloc (09022015). Collection method: clinical testing. Allele origin: germline.
Comment: In summary, the available evidence is currently insufficient to determine the role of this variant in disease. Therefore, it has been classified as a Variant of Uncertain Significance. Algorithms developed to predict the effect of missense changes on protein structure and function are either unavailable or do not agree on the potential impact of this missense change (SIFT: "Deleterious"; PolyPhen-2: "Probably Damaging"; Align-GVGD: "Class C0"). This variant has not been reported in the literature in individuals with POLD1-related conditions. This variant is not present in population databases (ExAC no frequency). This sequence change replaces aspartic acid with asparagine at codon 488 of the POLD1 protein (p.Asp488Asn). The aspartic acid residue is highly conserved and there is a small physicochemical difference between aspartic acid and asparagine.